The following is an entry in ClinVar:

ClinVar aggregate classification (germline): Uncertain significance. Review status: criteria provided, multiple submitters, no conflicts (2 of 4 stars). 2 submissions from 2 submitters: Uncertain significance (2). Last evaluated 2025-11-03.

Conditions:
Hereditary cancer-predisposing syndrome. Also called: Neoplastic Syndromes, Hereditary; Tumor predisposition; Hereditary Cancer Syndrome; Hereditary neoplastic syndrome. Identifiers: Orphanet 140162, MedGen C0027672, MeSH D009386, MONDO:0015356.
Renal cell carcinoma. Identifiers: Orphanet 217071, MedGen C0007134, MeSH D002292, MONDO:0005086, HP:0005584.

Allele frequency attached by ClinVar (database versions not stated): gnomAD exomes below 0.00001; TOPMed below 0.00001.
gnomAD v4.1: 1 of 1,613,850 alleles (0.000062%); highest among the groups gnomAD compares: Non-Finnish European, 0.000085%; no homozygotes.

Submissions (2):

Labcorp Genetics (formerly Invitae), Labcorp
Classification: Uncertain significance for Renal cell carcinoma. Last evaluated: 2025-11-03. Review status: criteria provided, single submitter. Criteria: Invitae Variant Classification Sherloc (09022015). Collection method: clinical testing. Allele origin: germline.
Comment: This sequence change replaces histidine, which is basic and polar, with tyrosine, which is neutral and polar, at codon 994 of the MET protein (p.His994Tyr). This variant is not present in population databases (gnomAD no frequency). This variant has not been reported in the literature in individuals affected with MET-related conditions. ClinVar contains an entry for this variant (Variation ID: 1798400). An algorithm developed to predict the effect of missense changes on protein structure and function outputs the following: PolyPhen-2: "Benign". The tyrosine amino acid residue is found in multiple mammalian species, which suggests that this missense change does not adversely affect protein function. In summary, the available evidence is currently insufficient to determine the role of this variant in disease. Therefore, it has been classified as a Variant of Uncertain Significance.

Ambry Genetics
Classification: Uncertain significance for Hereditary cancer-predisposing syndrome. Last evaluated: 2025-03-11. Review status: criteria provided, single submitter. Criteria: Ambry Variant Classification Scheme 2023. Collection method: clinical testing. Allele origin: germline.
Comment: The p.H994Y variant (also known as c.2980C>T), located in coding exon 13 of the MET gene, results from a C to T substitution at nucleotide position 2980. The histidine at codon 994 is replaced by tyrosine, an amino acid with similar properties. This amino acid position is well conserved in available vertebrate species. In addition, the in silico prediction for this alteration is inconclusive. Since supporting evidence is limited at this time, the clinical significance of this alteration remains unclear.

NM_000245.4(MET):c.2926C>T (p.His976Tyr)

Gene: MET (MET proto-oncogene, receptor tyrosine kinase; plus strand). Cytogenetic location: 7q31.2.
Variant type: single nucleotide variant.
Coding change: c.2926C>T on transcript NM_000245.4 (MANE Select); coding-DNA position 2926, C replaced by T.
Protein change: p.His976Tyr; replaces histidine 976 with tyrosine.
Molecular consequence: missense variant.
Genome position (GRCh38, 1-based): chr7:116,771,887, C>T. VCF-style: chr7-116771887-C-T. GRCh37 (hg19) VCF-style: chr7-116411941-C-T.
Other names: c.2980C>T, p.His994Tyr (NM_001127500.3); c.1636C>T, p.His546Tyr (NM_001324402.2); short protein forms H976Y, H546Y, H994Y.
Identifiers: ClinVar variation 1798400 (VCV001798400.8), dbSNP rs1794846913, ClinGen allele CA368987059.